The following is an entry in ClinVar:

ClinVar aggregate classification (germline): Uncertain significance (1 of 4 stars; one submission).

Conditions:
Tuberous sclerosis 2 (TSC2). Identifiers: Orphanet 805, MedGen C1860707, MONDO:0013199, OMIM 613254.

Submission:

Labcorp Genetics (formerly Invitae), Labcorp
Classification: Uncertain significance for Tuberous sclerosis 2. Last evaluated: 2025-02-27. Review status: criteria provided, single submitter. Criteria: Invitae Variant Classification Sherloc (09022015). Collection method: clinical testing. Allele origin: germline.
Comment: This sequence change replaces glutamic acid, which is acidic and polar, with alanine, which is neutral and non-polar, at codon 1655 of the TSC2 protein (p.Glu1655Ala). This variant is not present in population databases (gnomAD no frequency). This variant has not been reported in the literature in individuals affected with TSC2-related conditions. Invitae Evidence Modeling of protein sequence and biophysical properties (such as structural, functional, and spatial information, amino acid conservation, physicochemical variation, residue mobility, and thermodynamic stability) indicates that this missense variant is not expected to disrupt TSC2 protein function with a negative predictive value of 95%. In summary, the available evidence is currently insufficient to determine the role of this variant in disease. Therefore, it has been classified as a Variant of Uncertain Significance.

NM_000548.5(TSC2):c.4964A>C (p.Glu1655Ala)

Gene: TSC2 (TSC complex subunit 2; plus strand). Cytogenetic location: 16p13.3.
Variant type: single nucleotide variant.
Coding change: c.4964A>C on transcript NM_000548.5 (MANE Select); coding-DNA position 4964, A replaced by C.
Protein change: p.Glu1655Ala; replaces glutamic acid 1655 with alanine.
Molecular consequence: missense variant. On other transcripts: non-coding transcript variant (5).
Genome position (GRCh38, 1-based): chr16:2,086,846, A>C. VCF-style: chr16-2086846-A-C. GRCh37 (hg19) VCF-style: chr16-2136847-A-C.
Other names: c.4832A>C, p.Glu1611Ala (NM_001370404.1); c.4835A>C, p.Glu1612Ala (NM_001370405.1, NM_021055.3); c.4961A>C, p.Glu1654Ala (NM_001406663.1); c.4892A>C, p.Glu1631Ala (NM_001406664.1); c.4886A>C, p.Glu1629Ala (NM_001406665.1); c.4856A>C, p.Glu1619Ala (NM_001406667.1); c.4853A>C, p.Glu1618Ala (NM_001406668.1); c.4784A>C, p.Glu1595Ala (NM_001406670.1); and 26 more; short protein forms E1054A, E1140A, E1141A, E1163A, E1164A, E1184A, E1388A, E1389A.
Identifiers: ClinVar variation 4802890 (VCV004802890.1).